The following is an entry in ClinVar:

NM_000265.7(NCF1):c.1051+36C>G

Genes: NCF1 (neutrophil cytosolic factor 1; plus strand), LOC106029312 (Williams-Beuren syndrome medial block B recombination region; plus strand). Cytogenetic location: 7q11.23.
Variant type: single nucleotide variant.
Coding change: c.1051+36C>G on transcript NM_000265.7 (MANE Select); 36 bases into the intron after coding-DNA position 1051, C replaced by G.
Molecular consequence: intron variant.
Genome position (GRCh38, 1-based): chr7:74,788,740, C>G. VCF-style: chr7-74788740-C-G. GRCh37 (hg19) VCF-style: chr7-74203084-G-G.
Identifiers: ClinVar variation 2687930 (VCV002687930.2), dbSNP rs707374, ClinGen allele CA658820809.

ClinVar aggregate classification (germline): Benign (1 of 4 stars; one submission).

Allele frequency attached by ClinVar (database versions not stated): gnomAD 0.82059; 1000 Genomes Project 30x 0.86493.

Submission:

Unidad de Genómica Garrahan, Hospital de Pediatría Garrahan
Classification: Benign. Last evaluated: 2024-01-24. Review status: criteria provided, single submitter. Criteria: ACMG Guidelines, 2015. Collection method: clinical testing. Allele origin: germline. Affected: no. Observed: 91 variant alleles.
Comment: This variant is classified as Benign based on local population frequency. This variant was detected in 96% of patients studied by a panel of primary immunodeficiencies. Number of patients: 91. Only high quality variants are reported.